The following is an entry in ClinVar:

NM_003356.4(UCP3):c.541+6T>C

Gene: UCP3 (uncoupling protein 3; minus strand). Cytogenetic location: 11q13.4.
Variant type: single nucleotide variant.
Coding change: c.541+6T>C on transcript NM_003356.4 (MANE Select); 6 bases into the intron after coding-DNA position 541, T replaced by C.
Molecular consequence: intron variant.
Genome position (GRCh38, 1-based): chr11:74,005,724, A>G on the plus strand (T>C on the coding strand, the complement: UCP3 is on the minus strand). VCF-style: chr11-74005724-A-G. GRCh37 (hg19) VCF-style: chr11-73716769-A-G.
Other names: c.541+6T>C (NM_022803.3).
Identifiers: ClinVar variation 3353626 (VCV003353626.1).
Genomic context (GRCh38, chr11:74,005,724, plus strand): 5'-CCTGCCCCAGCCTGAGGGGAGGGAAAGCTCTGCCTAAGACCGCCTGCGTCCAGAGTCCAG[A>G]CCTACCTTTCCACAGGCCCCTGACTCCTTCCTCCCTGGCGATGGTTCTGTAGGCGTCCAT-3'

ClinVar aggregate classification (germline): Likely benign (0 of 4 stars; one submission).

Conditions:
UCP3-related disorder. Also called: UCP3-related condition.

Submission:

PreventionGenetics, part of Exact Sciences
Classification: Likely benign for UCP3-related condition. Last evaluated: 2022-06-29. Review status: no assertion criteria provided. Collection method: clinical testing. Allele origin: germline.
Comment: This variant is classified as likely benign based on ACMG/AMP sequence variant interpretation guidelines (Richards et al. 2015 PMID: 25741868, with internal and published modifications).